The following is an entry in ClinVar:

NC_000020.11:g.(?_36904137)_(36912572_?)del

Gene: SAMHD1 (SAM and HD domain containing deoxynucleoside triphosphate triphosphohydrolase 1; minus strand). Cytogenetic location: 20q11.23.
Variant type: Deletion.
Identifiers: ClinVar variation 3248286 (VCV003248286.1).

ClinVar aggregate classification (germline): Pathogenic (1 of 4 stars; one submission).

Conditions:
Aicardi-Goutieres syndrome 5. Identifiers: Orphanet 51, MedGen C2749659, MONDO:0013059, OMIM 612952.

Submission:

Labcorp Genetics (formerly Invitae), Labcorp
Classification: Pathogenic for Aicardi-Goutieres syndrome 5. Last evaluated: 2023-08-16. Review status: criteria provided, single submitter. Criteria: Invitae Variant Classification Sherloc (09022015). Collection method: clinical testing. Allele origin: unknown.
Comment: This variant is a gross deletion of the genomic region encompassing exon(s) 10-13 of the SAMHD1 gene. This variant would be expected to be in-frame, preserving the integrity of the reading frame. This variant has not been reported in the literature in individuals affected with SAMHD1-related conditions. This variant disrupts a region of the SAMHD1 protein in which other variant(s) (p.Ile448Thr) have been determined to be pathogenic (Invitae). This suggests that this is a clinically significant region of the protein, and that variants that disrupt it are likely to be disease-causing. For these reasons, this variant has been classified as Pathogenic.